The following is an entry in ClinVar:

ClinVar aggregate classification (germline): Uncertain significance. Review status: criteria provided, multiple submitters, no conflicts (2 of 4 stars). 2 submissions from 2 submitters: Uncertain significance (2). Last evaluated 2025-10-28.

Conditions:
Inborn genetic diseases. Identifiers: MedGen C0950123, MeSH D030342.

Submissions (2):

Labcorp Genetics (formerly Invitae), Labcorp
Classification: Uncertain significance. Last evaluated: 2025-10-28. Review status: criteria provided, single submitter. Criteria: Invitae Variant Classification Sherloc (09022015). Collection method: clinical testing. Allele origin: germline.
Comment: This sequence change replaces arginine, which is basic and polar, with serine, which is neutral and polar, at codon 2503 of the MTOR protein (p.Arg2503Ser). This variant is not present in population databases (gnomAD no frequency). This variant has not been reported in the literature in individuals affected with MTOR-related conditions. Invitae Evidence Modeling of protein sequence and biophysical properties (such as structural, functional, and spatial information, amino acid conservation, physicochemical variation, residue mobility, and thermodynamic stability) has been performed for this missense variant. However, the output from this modeling did not meet the statistical confidence thresholds required to predict the impact of this variant on MTOR protein function. In summary, the available evidence is currently insufficient to determine the role of this variant in disease. Therefore, it has been classified as a Variant of Uncertain Significance.

Ambry Genetics
Classification: Uncertain significance for Inborn genetic diseases. Last evaluated: 2025-10-08. Review status: criteria provided, single submitter. Criteria: Ambry Variant Classification Scheme 2023. Collection method: clinical testing. Allele origin: germline.

NM_004958.4(MTOR):c.7509G>T (p.Arg2503Ser)

Gene: MTOR (mechanistic target of rapamycin kinase; minus strand). Cytogenetic location: 1p36.22.
Variant type: single nucleotide variant.
Coding change: c.7509G>T on transcript NM_004958.4 (MANE Select); coding-DNA position 7509, G replaced by T.
Protein change: p.Arg2503Ser; replaces arginine 2503 with serine.
Molecular consequence: missense variant.
Genome position (GRCh38, 1-based): chr1:11,109,309, C>A on the plus strand (G>T on the coding strand, the complement: MTOR is on the minus strand). VCF-style: chr1-11109309-C-A. GRCh37 (hg19) VCF-style: chr1-11169366-C-A.
Other names: c.7509G>T, p.Arg2503Ser (NM_001386500.1); c.6261G>T, p.Arg2087Ser (NM_001386501.1); short protein forms R2087S, R2503S.
Identifiers: ClinVar variation 4625297 (VCV004625297.2).